The following is an entry in ClinVar:

ClinVar aggregate classification (germline): Conflicting classifications of pathogenicity. Review status: criteria provided, conflicting classifications (1 of 4 stars). 6 submissions from 6 submitters: Uncertain significance (4); Likely benign (1). 1 of the submissions does not count toward it. Last evaluated 2024-11-26.

Conditions:
Pyruvate dehydrogenase E3-binding protein deficiency (PDHXD). Also called: E3-Binding Protein (Component X) Deficiency; PYRUVATE HYDROGENASE E3-BINDING PROTEIN DEFICIENCY; Lacticacidemia due to PDX1 deficiency; LACTIC ACIDEMIA DUE TO DEFECT IN LIPOYL-CONTAINING COMPONENT X OF THE PYRUVATE DEHYDROGENASE COMPLEX. Identifiers: Orphanet 255182, MedGen C1855553, MONDO:0009503, OMIM 245349.

Allele frequency attached by ClinVar (database versions not stated): gnomAD exomes 0.00055; 1000 Genomes Project 0.00060; gnomAD 0.00011 and 0.00001; 1000 Genomes Project 30x 0.00047; ExAC 0.00055; TOPMed 0.00003.
gnomAD v4.1: 403 of 1,612,796 alleles (0.025%); highest among the groups gnomAD compares: South Asian, 0.37%; 3 homozygotes.

Submissions (6):

Blueprint Genetics
Classification: Uncertain significance. Last evaluated: 2024-11-26. Review status: criteria provided, single submitter. Criteria: ACMG Guidelines, 2015. Collection method: clinical testing. Allele origin: germline.

Women's Health and Genetics/Laboratory Corporation of America, LabCorp
Classification: Uncertain significance. Last evaluated: 2023-08-10. Review status: criteria provided, single submitter. Criteria: LabCorp Variant Classification Summary - May 2015. Collection method: clinical testing. Allele origin: germline.
Comment: Variant summary: PDHX c.44G>A (p.Arg15His) results in a non-conservative amino acid change in the encoded protein sequence. Three of five in-silico tools predict a damaging effect of the variant on protein function. The variant allele was found at a frequency of 0.00055 in 248950 control chromosomes (gnomAD). This frequency is not significantly higher than estimated for a pathogenic variant in PDHX causing Pyruvate Dehydrogenase E3-Binding Protein Deficiency (0.00055 vs 0.0011), allowing no conclusion about variant significance. c.44G>A has been reported in the literature in a family affected with intellectual disability (example: Najmabadi_2011). This report does not provide unequivocal conclusions about association of the variant with Pyruvate Dehydrogenase E3-Binding Protein Deficiency. To our knowledge, no experimental evidence demonstrating an impact on protein function has been reported. The following publication has been ascertained in the context of this evaluation (PMID: 21937992). Three submitters have cited clinical-significance assessments for this variant to ClinVar after 2014 and classified the variant as VUS (n=2) and likely benign (n=1). Based on the evidence outlined above, the variant was classified as uncertain significance.

Labcorp Genetics (formerly Invitae), Labcorp
Classification: Uncertain significance. Last evaluated: 2022-11-02. Review status: criteria provided, single submitter. Criteria: Invitae Variant Classification Sherloc (09022015). Collection method: clinical testing. Allele origin: germline.
Comment: This sequence change replaces arginine, which is basic and polar, with histidine, which is basic and polar, at codon 15 of the PDHX protein (p.Arg15His). This variant is present in population databases (rs387906998, gnomAD 0.4%), and has an allele count higher than expected for a pathogenic variant. This missense change has been observed in individual(s) with pyruvate dehydrogenase deficiency (PMID: 21937992). It has also been observed to segregate with disease in related individuals. ClinVar contains an entry for this variant (Variation ID: 30752). Algorithms developed to predict the effect of missense changes on protein structure and function are either unavailable or do not agree on the potential impact of this missense change (SIFT: "Deleterious"; PolyPhen-2: "Possibly Damaging"; Align-GVGD: "Class C0"). In summary, the currently available evidence indicates that the variant is pathogenic, but additional data are needed to prove that conclusively. Therefore, this variant has been classified as Likely Pathogenic.

GeneDx
Classification: Likely benign. Last evaluated: 2021-03-03. Review status: criteria provided, single submitter. Criteria: GeneDx Variant Classification Process June 2021. Collection method: clinical testing. Allele origin: germline. Affected: yes.
Comment: This variant is associated with the following publications: (PMID: 21937992)

Fulgent Genetics
Classification: Uncertain significance for Pyruvate dehydrogenase E3-binding protein deficiency. Last evaluated: 2018-10-31. Review status: criteria provided, single submitter. Criteria: ACMG Guidelines, 2015. Collection method: clinical testing. Allele origin: unknown.

OMIM
Classification: Pathogenic for PYRUVATE DEHYDROGENASE E3-BINDING PROTEIN DEFICIENCY. Last evaluated: 2011-09-21. Review status: no assertion criteria provided. Collection method: literature only. Allele origin: germline. Not counted in ClinVar's aggregate classification.

Literature cited by the submitters: PubMed 21937992 (cited by 3 submitters).

NM_003477.3(PDHX):c.44G>A (p.Arg15His)

Genes: PDHX (pyruvate dehydrogenase complex component X; plus strand), LOC130005549 (ATAC-STARR-seq lymphoblastoid active region 4608; plus strand). Cytogenetic location: 11p13.
Variant type: single nucleotide variant.
Coding change: c.44G>A on transcript NM_003477.3 (MANE Select); coding-DNA position 44, G replaced by A.
Protein change: p.Arg15His; replaces arginine 15 with histidine.
Molecular consequence: missense variant. On other transcripts: intron variant (1).
Genome position (GRCh38, 1-based): chr11:34,916,699, G>A. VCF-style: chr11-34916699-G-A. GRCh37 (hg19) VCF-style: chr11-34938246-G-A.
Other names: p.R15H:CGT>CAT; c.44G>A, p.Arg15His (NM_001166158.2); c.-21+213G>A (NM_001135024.2); short protein forms R15H.
Identifiers: ClinVar variation 30752 (VCV000030752.9), dbSNP rs387906998, ClinGen allele CA129442.